The following is an entry in ClinVar:

NM_174936.4(PCSK9):c.249G>T (p.Lys83Asn)

Gene: PCSK9 (proprotein convertase subtilisin/kexin type 9; plus strand). Cytogenetic location: 1p32.3.
Variant type: single nucleotide variant.
Coding change: c.249G>T on transcript NM_174936.4 (MANE Select); coding-DNA position 249, G replaced by T.
Protein change: p.Lys83Asn; replaces lysine 83 with asparagine.
Molecular consequence: missense variant. On other transcripts: 5 prime UTR variant (1), non-coding transcript variant (6), intron variant (1).
Genome position (GRCh38, 1-based): chr1:55,043,884, G>T. VCF-style: chr1-55043884-G-T. GRCh37 (hg19) VCF-style: chr1-55509557-G-T.
Other names: c.372G>T, p.Lys124Asn (NM_001407240.1); c.249G>T, p.Lys83Asn (NM_001407241.1, NM_001407242.1, NM_001407243.1 and 2 more transcripts); c.-127G>T (NM_001407246.1); c.208-2639G>T (NM_001407245.1); short protein forms K124N, K83N.
Identifiers: ClinVar variation 3387423 (VCV003387423.1).

ClinVar aggregate classification (germline): Uncertain significance (1 of 4 stars; one submission).

Conditions:
Hypercholesterolemia, autosomal dominant, 3 (FHCL3). Also called: Familial Hypercholesterolemia, Autosomal Dominant, 3; PCSK9-Related Familial Hypercholesterolemia, Autosomal Dominant; Familial hypercholesterolemia 3. Identifiers: MedGen C1863551, MONDO:0011369, OMIM 603776.

Submission:

All of Us Research Program, National Institutes of Health
Classification: Uncertain significance for Hypercholesterolemia, autosomal dominant, 3. Last evaluated: 2024-04-16. Review status: criteria provided, single submitter. Criteria: ACMG Guidelines, 2015. Collection method: clinical testing. Allele origin: germline. Inheritance: Autosomal dominant inheritance. Observed: 1 variant allele, 1 heterozygote.
Comment: This missense variant replaces lysine with asparagine at codon 83 of the PCSK9 protein. Computational prediction suggests that this variant may not impact protein structure and function (internally defined REVEL score threshold <= 0.5, PMID: 27666373). To our knowledge, functional studies have not been reported for this variant. This variant has not been reported in individuals affected with PCSK9-related disorders in the literature. This variant has not been identified in the general population by the Genome Aggregation Database (gnomAD). The available evidence is insufficient to determine the role of this variant in disease conclusively. Therefore, this variant is classified as a Variant of Uncertain Significance.

This study involves interpretation of variants in research participants for the purpose of population health screening. Participant phenotype was not available at the time of variant classification. Additional details can be found in publication PMID: 35346344, PMCID: PMC8962531